The following is an entry in ClinVar:

NM_130837.3(OPA1):c.473G>A (p.Ser158Asn)

Gene: OPA1 (OPA1 mitochondrial dynamin like GTPase; plus strand). Cytogenetic location: 3q29.
Variant type: single nucleotide variant.
Coding change: c.473G>A on transcript NM_130837.3 (MANE Select); coding-DNA position 473, G replaced by A.
Protein change: p.Ser158Asn; replaces serine 158 with asparagine.
Molecular consequence: missense variant. On other transcripts: intron variant (5).
Genome position (GRCh38, 1-based): chr3:193,617,202, G>A. VCF-style: chr3-193617202-G-A. GRCh37 (hg19) VCF-style: chr3-193334991-G-A.
Other names: p.S158N:AGT>AAT; c.101G>A, p.Ser34Asn (NM_001354664.2); c.473G>A, p.Ser158Asn (NM_015560.3, NM_130834.3, NM_130836.3); c.76+1432G>A (NM_001354663.2); c.449-582G>A (NM_130835.3, NM_130832.3); c.448+1432G>A (NM_130833.3, NM_130831.3); short protein forms S158N, S34N.
Identifiers: ClinVar variation 95727 (VCV000095727.22), dbSNP rs7624750, ClinGen allele CA285733.

ClinVar aggregate classification (germline): Benign. Review status: criteria provided, multiple submitters, no conflicts (2 of 4 stars). 10 submissions from 10 submitters: Benign (9). 1 of the submissions does not count toward it. Last evaluated 2026-02-04.

Conditions:
Autosomal dominant optic atrophy classic form (OPA1). Also called: OPTIC ATROPHY, JUVENILE; Optic Atrophy Type 1; KJER-TYPE OPTIC ATROPHY. Identifiers: Orphanet 98673, MedGen C0338508, MONDO:0008134, OMIM 165500.

Allele frequency attached by ClinVar (database versions not stated): gnomAD 0.50224 and 0.49603; ExAC 0.46827; gnomAD exomes 0.46830 and 0.46749; 1000 Genomes Project 30x 0.46893; TOPMed 0.49100; ESP Exome Variant Server 0.49700; 1000 Genomes Project 0.46805.
gnomAD v4.1: 755,697 of 1,604,536 alleles (47%); highest among the groups gnomAD compares: African/African-American, 57%; 180,104 homozygotes.

Submissions (10):

Labcorp Genetics (formerly Invitae), Labcorp
Classification: Benign. Last evaluated: 2026-02-04. Review status: criteria provided, single submitter. Criteria: Invitae Variant Classification Sherloc (09022015). Collection method: clinical testing. Allele origin: germline.

Blueprint Genetics
Classification: Benign. Last evaluated: 2024-11-27. Review status: criteria provided, single submitter. Criteria: ACMG Guidelines, 2015. Collection method: clinical testing. Allele origin: germline.

Mendelics
Classification: Benign for Autosomal dominant optic atrophy classic form. Last evaluated: 2019-05-28. Review status: criteria provided, single submitter. Criteria: Mendelics Assertion Criteria 2017. Collection method: clinical testing. Allele origin: unknown.

Illumina Laboratory Services, Illumina
Classification: Benign for Autosomal dominant optic atrophy classic form. Last evaluated: 2018-01-12. Review status: criteria provided, single submitter. Criteria: ICSL Variant Classification Criteria 13 December 2019. Collection method: clinical testing. Allele origin: germline.
Comment: This variant was observed in the ICSL laboratory as part of a predisposition screen in an ostensibly healthy population. It had not been previously curated by ICSL or reported in the Human Gene Mutation Database (HGMD: prior to June 1st, 2018), and was therefore a candidate for classification through an automated scoring system. Utilizing variant allele frequency, disease prevalence and penetrance estimates, and inheritance mode, an automated score was calculated to assess if this variant is too frequent to cause the disease. Based on the score and internal cut-off values, a variant classified as benign is not then subjected to further curation. The score for this variant resulted in a classification of benign for this disease.

Athena Diagnostics
Classification: Benign. Last evaluated: 2017-04-28. Review status: criteria provided, single submitter. Criteria: Athena Diagnostics Criteria. Collection method: clinical testing. Allele origin: germline.

Eurofins Ntd Llc (ga)
Classification: Benign. Last evaluated: 2015-12-23. Review status: criteria provided, single submitter. Criteria: EGL Classification Definitions 2015. Collection method: clinical testing. Allele origin: germline. Observed: 297 variant alleles, 200 heterozygotes, 97 homozygotes.

GeneDx
Classification: Benign. Last evaluated: 2011-06-30. Review status: criteria provided, single submitter. Criteria: GeneDx Variant Classification (06012015). Collection method: clinical testing. Allele origin: germline. Affected: yes.
Comment: This variant is considered likely benign or benign based on one or more of the following criteria: it is a conservative change, it occurs at a poorly conserved position in the protein, it is predicted to be benign by multiple in silico algorithms, and/or has population frequency not consistent with disease.

Breakthrough Genomics
Classification: Benign. Review status: criteria provided, single submitter. Criteria: ACMG Guidelines, 2015. Collection method: not provided. Allele origin: germline. Inheritance: Autosomal recessive inheritance. Affected: yes.

PreventionGenetics, part of Exact Sciences
Classification: Benign. Review status: criteria provided, single submitter. Criteria: ACMG Guidelines, 2015. Collection method: clinical testing. Allele origin: germline.

Mayo Clinic Laboratories, Mayo Clinic
Classification: Benign. Last evaluated: 2016-02-19. Review status: no assertion criteria provided. Collection method: clinical testing. Allele origin: unknown. Not counted in ClinVar's aggregate classification.